The following is an entry in ClinVar:

NM_194248.3(OTOF):c.3321dup (p.Ile1108fs)

Gene: OTOF (otoferlin; minus strand). Cytogenetic location: 2p23.3.
Variant type: Duplication.
Coding change: c.3321dup on transcript NM_194248.3 (MANE Select); coding-DNA position 3321, one base duplicated (C; older notation c.3321dupC).
Protein change: p.Ile1108fs; shifts the reading frame from isoleucine 1108.
Molecular consequence: frameshift variant.
Genome position (GRCh38, 1-based): chr2:26,474,078, G duplicated on the plus strand (C on the coding strand, the reverse complement: OTOF is on the minus strand); the first of 6 consecutive G bases (chr2:26,474,078-26,474,083); duplicating any one gives the same sequence. VCF-style (leftmost placement, unchanged base first): chr2-26474077-T-TG. GRCh37 (hg19) VCF-style: chr2-26696945-T-TG.
Other names: c.3321dup, p.Ile1108fs (NM_001287489.2); c.1080dup, p.Ile361fs (NM_004802.4, NM_194323.3); c.1251dup, p.Ile418fs (NM_194322.3); short protein forms I1108fs, I361fs, I418fs.
Identifiers: ClinVar variation 2683891 (VCV002683891.4), dbSNP rs748545363, ClinGen allele CA1563584.
Genomic context (GRCh38, chr2:26,474,077, plus strand): 5'-GCCGGATGCCCATGGGCACGGGCATGATGGGACCTCGGTCCACGTCCACCGGGCCATTGA[T>TG]GGGGGGCAGGTCAGCCTTCCCTGCTGGTCCAATCTGGGGAATGGGGGTCACAGGTCACAC-3'

ClinVar aggregate classification (germline): Pathogenic/Likely pathogenic. Review status: criteria provided, multiple submitters, no conflicts (2 of 4 stars). 2 submissions from 2 submitters: Pathogenic (1); Likely pathogenic (1). Last evaluated 2024-07-23.

Conditions:
Auditory neuropathy. Identifiers: MedGen C1852271, MONDO:0021944.

Submissions (2):

Labcorp Genetics (formerly Invitae), Labcorp
Classification: Pathogenic. Last evaluated: 2024-07-23. Review status: criteria provided, single submitter. Criteria: Invitae Variant Classification Sherloc (09022015). Collection method: clinical testing. Allele origin: germline.
Comment: This sequence change creates a premature translational stop signal (p.Ile1108Hisfs*69) in the OTOF gene. It is expected to result in an absent or disrupted protein product. Loss-of-function variants in OTOF are known to be pathogenic (PMID: 18381613, 19250381, 22575033). This variant is present in population databases (rs776382408, gnomAD 0.0009%). This premature translational stop signal has been observed in individual(s) with deafness (PMID: 26818607). For these reasons, this variant has been classified as Pathogenic.

WangQJ Lab, Chinese People's Liberation Army General Hospital
Classification: Likely pathogenic for Auditory neuropathy. Last evaluated: 2023-12-22. Review status: criteria provided, single submitter. Criteria: Submitter's publication. Collection method: research. Allele origin: germline. Affected: yes. Observed: 1 variant allele.

Literature cited by the submitters: PubMed 18381613 (cited by Labcorp Genetics (formerly Invitae), Labcorp); PubMed 19250381 (cited by Labcorp Genetics (formerly Invitae), Labcorp); PubMed 22575033 (cited by Labcorp Genetics (formerly Invitae), Labcorp); PubMed 26818607 (cited by Labcorp Genetics (formerly Invitae), Labcorp).